The following is an entry in ClinVar:

NM_014915.3(ANKRD26):c.1030C>T (p.Leu344Phe)

Gene: ANKRD26 (ankyrin repeat domain 26; minus strand). Cytogenetic location: 10p12.1.
Variant type: single nucleotide variant.
Coding change: c.1030C>T on transcript NM_014915.3 (MANE Select); coding-DNA position 1030, C replaced by T.
Protein change: p.Leu344Phe; replaces leucine 344 with phenylalanine.
Molecular consequence: missense variant.
Genome position (GRCh38, 1-based): chr10:27,077,385, G>A on the plus strand (C>T on the coding strand, the complement: ANKRD26 is on the minus strand). VCF-style: chr10-27077385-G-A. GRCh37 (hg19) VCF-style: chr10-27366314-G-A.
Other names: c.1030C>T, p.Leu344Phe (NM_001256053.2); short protein forms L344F.
Identifiers: ClinVar variation 4580337 (VCV004580337.1).

ClinVar aggregate classification (germline): Uncertain significance (1 of 4 stars; one submission).

Conditions:
Inborn genetic diseases. Identifiers: MedGen C0950123, MeSH D030342.

Submission:

Ambry Genetics
Classification: Uncertain significance for Inborn genetic diseases. Last evaluated: 2025-12-06. Review status: criteria provided, single submitter. Criteria: Ambry Variant Classification Scheme 2023. Collection method: clinical testing. Allele origin: germline.
Comment: The p.L344F variant (also known as c.1030C>T), located in coding exon 9 of the ANKRD26 gene, results from a C to T substitution at nucleotide position 1030. The leucine at codon 344 is replaced by phenylalanine, an amino acid with highly similar properties. This amino acid position is conserved. In addition, this alteration is predicted to be tolerated by in silico analysis. Based on the available evidence, the clinical significance of this variant remains unclear.